The following is an entry in ClinVar:

ClinVar aggregate classification (germline): Uncertain significance (1 of 4 stars; one submission).

Conditions:
Hypertrophic cardiomyopathy 10. Also called: CARDIOMYOPATHY, HYPERTROPHIC, MID-LEFT VENTRICULAR CHAMBER TYPE, 2; MYL2-Related Familial Hypertrophic Cardiomyopathy. Identifiers: MedGen C1834460, MONDO:0012112, OMIM 608758.

Submission:

Labcorp Genetics (formerly Invitae), Labcorp
Classification: Uncertain significance for Hypertrophic cardiomyopathy 10. Last evaluated: 2024-11-11. Review status: criteria provided, single submitter. Criteria: Invitae Variant Classification Sherloc (09022015). Collection method: clinical testing. Allele origin: germline.
Comment: This sequence change replaces threonine, which is neutral and polar, with isoleucine, which is neutral and non-polar, at codon 24 of the MYL2 protein (p.Thr24Ile). This variant is not present in population databases (gnomAD no frequency). This variant has not been reported in the literature in individuals affected with MYL2-related conditions. ClinVar contains an entry for this variant (Variation ID: 1451056). An algorithm developed to predict the effect of missense changes on protein structure and function (PolyPhen-2) suggests that this variant is likely to be tolerated. In summary, the available evidence is currently insufficient to determine the role of this variant in disease. Therefore, it has been classified as a Variant of Uncertain Significance.

NM_000432.4(MYL2):c.71C>T (p.Thr24Ile)

Genes: MYL2 (myosin light chain 2; minus strand), LOC114827850 (VISTA enhancer hs2149; plus strand). Cytogenetic location: 12q24.11.
Variant type: single nucleotide variant.
Coding change: c.71C>T on transcript NM_000432.4 (MANE Select); coding-DNA position 71, C replaced by T.
Protein change: p.Thr24Ile; replaces threonine 24 with isoleucine.
Molecular consequence: missense variant.
Genome position (GRCh38, 1-based): chr12:110,919,126, G>A on the plus strand (C>T on the coding strand, the complement: MYL2 is on the minus strand). VCF-style: chr12-110919126-G-A. GRCh37 (hg19) VCF-style: chr12-111356930-G-A.
Other names: short protein forms T24I.
Identifiers: ClinVar variation 1451056 (VCV001451056.8), dbSNP rs2136777298, ClinGen allele CA386700237.
Genomic context (GRCh38, chr12:110,919,126, plus strand): 5'-ATTTCCATCCAGGCGGATGATTCAATAGCTGCACCCACCTCCTTAAATTCCTGGATTTGG[G>A]TCTGTTCGAACATGGAGAACACGTTGGAGTTGGCGCCCCCGGCTCTCTTCTTTGCTTTCT-3'
Protein context (NP_000423.2, residues 14-34): NSNVFSMFEQ[Thr24Ile]QIQEFKEAFT